The following is an entry in ClinVar:

ClinVar aggregate classification (germline): Uncertain significance (1 of 4 stars; one submission).

gnomAD v4.1: 3 of 1,612,700 alleles (0.00019%); highest among the groups gnomAD compares: Non-Finnish European, 0.00025%; no homozygotes.

Submission:

Ambry Genetics
Classification: Uncertain significance. Last evaluated: 2026-03-31. Review status: criteria provided, single submitter. Criteria: Ambry Variant Classification Scheme 2023. Collection method: clinical testing. Allele origin: germline.
Comment: The p.A23T variant (also known as c.67G>A), located in coding exon 1 of the RNF43 gene, results from a G to A substitution at nucleotide position 67. The alanine at codon 23 is replaced by threonine, an amino acid with similar properties. This amino acid position is conserved. In addition, this alteration is predicted to be tolerated by in silico analysis. Based on the available evidence, the clinical significance of this variant remains unclear.

NM_017763.6(RNF43):c.67G>A (p.Ala23Thr)

Gene: RNF43 (ring finger protein 43; minus strand). Cytogenetic location: 17q22.
Variant type: single nucleotide variant.
Coding change: c.67G>A on transcript NM_017763.6 (MANE Select); coding-DNA position 67, G replaced by A.
Protein change: p.Ala23Thr; replaces alanine 23 with threonine.
Molecular consequence: missense variant. On other transcripts: intron variant (1).
Genome position (GRCh38, 1-based): chr17:58,415,511, C>T on the plus strand (G>A on the coding strand, the complement: RNF43 is on the minus strand). VCF-style: chr17-58415511-C-T. GRCh37 (hg19) VCF-style: chr17-56492872-C-T.
Other names: c.67G>A, p.Ala23Thr (NM_001305544.3, NM_001438820.1, NM_001438821.1 and 1 more transcripts); c.-130+1506G>A (NM_001437987.1); short protein forms A23T.
Identifiers: ClinVar variation 4863389 (VCV004863389.1).